The following is an entry in ClinVar:

NM_015164.4(PLEKHM2):c.1791G>A (p.Met597Ile)

Gene: PLEKHM2 (pleckstrin homology and RUN domain containing M2; plus strand). Cytogenetic location: 1p36.21.
Variant type: single nucleotide variant.
Coding change: c.1791G>A on transcript NM_015164.4 (MANE Select); coding-DNA position 1791, G replaced by A.
Protein change: p.Met597Ile; replaces methionine 597 with isoleucine.
Molecular consequence: missense variant.
Genome position (GRCh38, 1-based): chr1:15,728,109, G>A. VCF-style: chr1-15728109-G-A. GRCh37 (hg19) VCF-style: chr1-16054604-G-A.
Other names: c.1731G>A, p.Met577Ile (NM_001410755.1); c.1791G>A (NM_015164.2); short protein forms M597I, M577I.
Identifiers: ClinVar variation 2146100 (VCV002146100.5), dbSNP rs1174509092, ClinGen allele CA338589105.
Genomic context (GRCh38, chr1:15,728,109, plus strand): 5'-CATCTCGCCCTCCTGACTTGGCCCTCACAGAGTAGACAACAATCACCTGCTCCTGCTCAT[G>A]ATCCACGTGTTCCGAGAAAACGAAGAGCAGCTGTTCAAAGTAAGTCCTAGGAACTCAGGA-3'
Protein context (NP_055979.2, residues 587-607): RVDNNHLLLL[Met597Ile]IHVFRENEEQ

ClinVar aggregate classification (germline): Uncertain significance. Review status: criteria provided, multiple submitters, no conflicts (2 of 4 stars). 2 submissions from 2 submitters: Uncertain significance (2). Last evaluated 2025-08-12.

Allele frequency attached by ClinVar (database versions not stated): gnomAD exomes below 0.00001; gnomAD 0.00001; TOPMed 0.00002.
gnomAD v4.1: 2 of 1,611,418 alleles (0.00012%); highest among the groups gnomAD compares: African/African-American, 0.0027%; no homozygotes.

Submissions (2):

Ambry Genetics
Classification: Uncertain significance. Last evaluated: 2025-08-12. Review status: criteria provided, single submitter. Criteria: Ambry Variant Classification Scheme 2023. Collection method: clinical testing. Allele origin: germline.

Labcorp Genetics (formerly Invitae), Labcorp
Classification: Uncertain significance. Last evaluated: 2023-11-20. Review status: criteria provided, single submitter. Criteria: Invitae Variant Classification Sherloc (09022015). Collection method: clinical testing. Allele origin: germline.
Comment: This sequence change replaces methionine, which is neutral and non-polar, with isoleucine, which is neutral and non-polar, at codon 597 of the PLEKHM2 protein (p.Met597Ile). This variant is not present in population databases (gnomAD no frequency). This variant has not been reported in the literature in individuals affected with PLEKHM2-related conditions. ClinVar contains an entry for this variant (Variation ID: 2146100). An algorithm developed to predict the effect of missense changes on protein structure and function (PolyPhen-2) suggests that this variant is likely to be tolerated. In summary, the available evidence is currently insufficient to determine the role of this variant in disease. Therefore, it has been classified as a Variant of Uncertain Significance.